The following is an entry in ClinVar:

NM_000246.4(CIITA):c.1334_1335delinsCA (p.Tyr445Ser)

Gene: CIITA (class II major histocompatibility complex transactivator; plus strand). Cytogenetic location: 16p13.13.
Variant type: Indel.
Coding change: c.1334_1335delinsCA on transcript NM_000246.4 (MANE Select); coding-DNA positions 1334 to 1335, AC replaced by CA.
Protein change: p.Tyr445Ser; replaces tyrosine 445 with serine.
Molecular consequence: missense variant. On other transcripts: intron variant (1).
Genome position (GRCh38, 1-based): chr16:10,906,826-10,906,827, AC replaced by CA. VCF-style: chr16-10906826-AC-CA. GRCh37 (hg19) VCF-style: chr16-11000683-AC-CA.
Other names: c.1337_1338delinsCA, p.Tyr446Ser (NM_001286402.1, NM_001379332.1); c.1190_1191delinsCA, p.Tyr397Ser (NM_001379330.1); c.1187_1188delinsCA, p.Tyr396Ser (NM_001379331.1); c.1334_1335delinsCA, p.Tyr445Ser (NM_001379333.1); c.1265_1266delinsCA, p.Tyr422Ser (NM_001379334.1); c.859+2014_859+2015delinsCA (NM_001286403.2); short protein forms Y422S, Y396S, Y397S, Y446S, Y445S.
Identifiers: ClinVar variation 933942 (VCV000933942.8), dbSNP rs2039193483, ClinGen allele CA1139664528.

ClinVar aggregate classification (germline): Uncertain significance (1 of 4 stars; one submission).

Conditions:
MHC class II deficiency. Also called: Bare lymphocyte syndrome 2; BLS, TYPE II. Identifiers: Orphanet 572, MedGen C5447452, MONDO:0008855.

Submission:

Labcorp Genetics (formerly Invitae), Labcorp
Classification: Uncertain significance for MHC class II deficiency. Last evaluated: 2019-05-28. Review status: criteria provided, single submitter. Criteria: Invitae Variant Classification Sherloc (09022015). Collection method: clinical testing. Allele origin: germline.
Comment: Algorithms developed to predict the effect of sequence changes on RNA splicing suggest that this variant may create or strengthen a splice site, but this prediction has not been confirmed by published transcriptional studies. In summary, the available evidence is currently insufficient to determine the role of this variant in disease. Therefore, it has been classified as a Variant of Uncertain Significance. Algorithms developed to predict the effect of missense changes on protein structure and function (SIFT, PolyPhen-2, Align-GVGD) all suggest that this variant is likely to be disruptive, but these predictions have not been confirmed by published functional studies and their clinical significance is uncertain. This variant has not been reported in the literature in individuals with CIITA-related conditions. This variant is not present in population databases (ExAC no frequency). This sequence change replaces tyrosine with serine at codon 445 of the CIITA protein (p.Tyr445Ser). The tyrosine residue is moderately conserved and there is a large physicochemical difference between tyrosine and serine.